The following is an entry in ClinVar:

NM_000214.3(JAG1):c.2472C>A (p.Cys824Ter)

Gene: JAG1 (jagged canonical Notch ligand 1; minus strand). Cytogenetic location: 20p12.2.
Variant type: single nucleotide variant.
Coding change: c.2472C>A on transcript NM_000214.3 (MANE Select); coding-DNA position 2472, C replaced by A.
Protein change: p.Cys824Ter; replaces cysteine 824 with a stop codon.
Molecular consequence: nonsense.
Genome position (GRCh38, 1-based): chr20:10,642,588, G>T on the plus strand (C>A on the coding strand, the complement: JAG1 is on the minus strand). VCF-style: chr20-10642588-G-T. GRCh37 (hg19) VCF-style: chr20-10623236-G-T.
Other names: short protein forms C824*.
Identifiers: ClinVar variation 3382687 (VCV003382687.4).
Genomic context (GRCh38, chr20:10,642,588, plus strand): 5'-ACACCGGTAGCCATTGATCTCATCCACACAGGTCGCTCCAAAGGCACAAGGTGAAGACTG[G>T]CATTCATTGATGTCTAGGAGAAATGGAGTTCAAGTTTAGGGACTGATGGTGTGTGGCAAT-3'

ClinVar aggregate classification (germline): Pathogenic (1 of 4 stars; one submission).

Conditions:
Alagille syndrome due to a JAG1 point mutation. Also called: HEPATIC DUCTULAR HYPOPLASIA, SYNDROMATIC; Alagille Syndrome 1; JAG1-Related Alagille Syndrome. Identifiers: Orphanet 261619, Orphanet 52, MedGen C1956125, MONDO:0016862, OMIM 118450.
Tetralogy of Fallot (TOF). Identifiers: Orphanet 3303, MedGen C0039685, MONDO:0008542, OMIM 187500, HP:0001636.
Deafness, congenital heart defects, and posterior embryotoxon (DCHE). Identifiers: MedGen C1866053, MONDO:0060713, OMIM 617992.
Charcot-Marie-Tooth disease, axonal, Type 2HH. Also called: CHARCOT-MARIE-TOOTH NEUROPATHY, TYPE 2HH. Identifiers: MedGen C5562003, MONDO:0030458, OMIM 619574.

Submission:

Juno Genomics, Hangzhou Juno Genomics, Inc
Classification: Pathogenic for Tetralogy of Fallot; Deafness, congenital heart defects, and posterior embryotoxon; Alagille syndrome due to a JAG1 point mutation; Charcot-Marie-Tooth disease, axonal, Type 2HH. Review status: criteria provided, single submitter. Criteria: ACMG Guidelines, 2015. Collection method: clinical testing. Allele origin: germline.
Comment: Absent from controls (or at extremely low frequency if recessive) in Genome Aggregation Database.;De novo (both maternity and paternity confirmed) in a patient with the disease and no family history.;Null variant in a gene where loss of function (LOF) is a known mechanism of disease.